The following is an entry in ClinVar:

NM_025136.4(OPA3):c.316G>A (p.Ala106Thr)

Genes: OPA3 (outer mitochondrial membrane lipid metabolism regulator OPA3; minus strand), OPA3-RTN2 (OPA3-RTN2 readthrough; minus strand). Cytogenetic location: 19q13.32.
Variant type: single nucleotide variant.
Coding change: c.316G>A on transcript NM_025136.4 (MANE Select); coding-DNA position 316, G replaced by A.
Protein change: p.Ala106Thr; replaces alanine 106 with threonine.
Molecular consequence: missense variant. On other transcripts: intron variant (1).
Genome position (GRCh38, 1-based): chr19:45,553,738, C>T on the plus strand (G>A on the coding strand, the complement: OPA3 is on the minus strand). VCF-style: chr19-45553738-C-T. GRCh37 (hg19) VCF-style: chr19-46056996-C-T.
Other names: c.316G>A (NM_025136.3); c.143-24282G>A (NM_001017989.3); short protein forms A106T.
Identifiers: ClinVar variation 2933581 (VCV002933581.4), dbSNP rs750013718, ClinGen allele CA9517419.

ClinVar aggregate classification (germline): Uncertain significance. Review status: criteria provided, single submitter (1 of 4 stars). 2 submissions from 2 submitters: Uncertain significance (1). 1 of the submissions does not count toward it. Last evaluated 2023-05-01.

Conditions:
3-Methylglutaconic aciduria type 3 (MGCA3). Also called: OPA3, AUTOSOMAL RECESSIVE; OPTIC ATROPHY 3, AUTOSOMAL RECESSIVE; OPA3-Related 3-Methylglutaconic Aciduria; Costeff Syndrome. Identifiers: Orphanet 67047, MedGen C0574084, MONDO:0009787, OMIM 258501.
Optic atrophy 3 (OPA3). Also called: OPTIC ATROPHY 3, AUTOSOMAL DOMINANT; Optic atrophy, cataract, and neurologic disorder; Optic atrophy 3 with cataract. Identifiers: Orphanet 67036, MedGen C1833809, MONDO:0008133, OMIM 165300.

Allele frequency attached by ClinVar (database versions not stated): gnomAD exomes below 0.00001; ExAC 0.00001.
gnomAD v4.1: 6 of 1,611,382 alleles (0.00037%); highest among the groups gnomAD compares: South Asian, 0.0033%; no homozygotes.

Submissions (2):

Labcorp Genetics (formerly Invitae), Labcorp
Classification: Uncertain significance for 3-Methylglutaconic aciduria type 3; Optic atrophy 3. Last evaluated: 2023-05-01. Review status: criteria provided, single submitter. Criteria: Invitae Variant Classification Sherloc (09022015). Collection method: clinical testing. Allele origin: germline.
Comment: In summary, the available evidence is currently insufficient to determine the role of this variant in disease. Therefore, it has been classified as a Variant of Uncertain Significance. An algorithm developed to predict the effect of missense changes on protein structure and function (PolyPhen-2) suggests that this variant is likely to be tolerated. This variant has not been reported in the literature in individuals affected with OPA3-related conditions. This variant is present in population databases (rs750013718, gnomAD 0.007%). This sequence change replaces alanine, which is neutral and non-polar, with threonine, which is neutral and polar, at codon 106 of the OPA3 protein (p.Ala106Thr).

Natera, Inc.
Classification: Uncertain significance for 3-methylglutaconic aciduria type 3. Last evaluated: 2025-05-13. Review status: no assertion criteria provided. Collection method: clinical testing. Allele origin: germline. Not counted in ClinVar's aggregate classification.